The following is an entry in ClinVar:

NM_207361.6(FREM2):c.7060_7066del (p.Thr2354fs)

Gene: FREM2 (FRAS1 related extracellular matrix 2; plus strand). Cytogenetic location: 13q13.3.
Variant type: Deletion.
Coding change: c.7060_7066del on transcript NM_207361.6 (MANE Select); coding-DNA positions 7060 to 7066, 7 bases deleted (ACGAAAG; older notation c.7060_7066delACGAAAG).
Protein change: p.Thr2354fs; shifts the reading frame from threonine 2354.
Molecular consequence: frameshift variant.
Genome position (GRCh38, 1-based): chr13:38,857,878-38,857,884, ACGAAAG deleted; deleting any 7 consecutive bases within chr13:38,857,877-38,857,884 gives the same sequence; the c. name uses the placement nearest the transcript's 3' end. VCF-style (leftmost placement, unchanged base first): chr13-38857876-TGACGAAA-T. GRCh37 (hg19) VCF-style: chr13-39432013-TGACGAAA-T.
Other names: short protein forms T2354fs.
Identifiers: ClinVar variation 2743439 (VCV002743439.3), dbSNP rs1877619819, ClinGen allele CA2085707402.

ClinVar aggregate classification (germline): Pathogenic (1 of 4 stars; one submission).

Submission:

Labcorp Genetics (formerly Invitae), Labcorp
Classification: Pathogenic. Last evaluated: 2023-11-20. Review status: criteria provided, single submitter. Criteria: Invitae Variant Classification Sherloc (09022015). Collection method: clinical testing. Allele origin: germline.
Comment: This sequence change creates a premature translational stop signal (p.Thr2354Profs*5) in the FREM2 gene. It is expected to result in an absent or disrupted protein product. Loss-of-function variants in FREM2 are known to be pathogenic (PMID: 18203166, 26552811). This variant is not present in population databases (gnomAD no frequency). This variant has not been reported in the literature in individuals affected with FREM2-related conditions. For these reasons, this variant has been classified as Pathogenic.

Literature cited by the submitters: PubMed 18203166; PubMed 26552811.